The following is an entry in ClinVar:

NM_000284.4(PDHA1):c.833G>A (p.Gly278Glu)

Gene: PDHA1 (pyruvate dehydrogenase E1 subunit alpha 1; plus strand). Cytogenetic location: Xp22.12.
Variant type: single nucleotide variant.
Coding change: c.833G>A on transcript NM_000284.4 (MANE Select); coding-DNA position 833, G replaced by A.
Protein change: p.Gly278Glu; replaces glycine 278 with glutamic acid.
Molecular consequence: missense variant.
Genome position (GRCh38, 1-based): chrX:19,357,653, G>A. VCF-style: chrX-19357653-G-A. GRCh37 (hg19) VCF-style: chrX-19375771-G-A.
Other names: c.947G>A, p.Gly316Glu (NM_001173454.2); c.854G>A, p.Gly285Glu (NM_001173455.2); c.740G>A, p.Gly247Glu (NM_001173456.2); short protein forms G247E, G278E, G285E, G316E.
Identifiers: ClinVar variation 4070372 (VCV004070372.1).
Genomic context (GRCh38, chrX:19,357,653, plus strand): 5'-CGGCCTGTTCTTCCAGTCATCGTTCCTAACTAACTAACTGCCTACCGGTTCTGTTTTAGG[G>A]GCCCATCCTGATGGAGCTGCAGACTTACCGTTACCACGGACACAGTATGAGTGACCCTGG-3'
Protein context (NP_000275.1, residues 268-288): FAAAYCRSGK[Gly278Glu]PILMELQTYR

ClinVar aggregate classification (germline): Likely pathogenic (0 of 4 stars; one submission).

Conditions:
Pyruvate dehydrogenase E1-alpha deficiency (PDHAD). Also called: ATAXIA, INTERMITTENT, WITH PYRUVATE DEHYDROGENASE DEFICIENCY; ATAXIA WITH LACTIC ACIDOSIS I; ATAXIA, INTERMITTENT, WITH ABNORMAL PYRUVATE METABOLISM; Ataxia, intermittent, with pyruvate dehydrogenase, or decarboxylase, deficiency. Identifiers: Orphanet 79243, MedGen C1839413, MONDO:0010717, OMIM 312170.

Submission:

PDHA1 Study Group, University Children’s Hospital, Paracelsus Medical University
Classification: Likely pathogenic for Pyruvate dehydrogenase E1-alpha deficiency. Last evaluated: 2024-10-15. Review status: no assertion criteria provided. Collection method: research. Allele origin: inherited. Affected: yes. Observed: 1 variant allele.
Comment: The NM_000284.3:c.833G>A (p.Gly278Glu) substitution is a missense variant in PDHA1 gene. Among them, 1 were confirmed inherited. Last literature search: July 12, 2024. This variant is absent or extremely rare in population-based cohorts in the Genome Aggregation Database (gnomAD). Individuals harboring this variant presented with clinical features compatible with PDHA1-related PDHc deficiency. In summary, this variant meets criteria to be classified as likely pathogenic (LP) for PDHA1-related PDHc deficiency based on the ACMG/AMP criteria applied: PM2, PM5, PP3, PP4 (last assessment October 15, 2024).

Literature cited by the submitters: DOI 10.1093/brain/awaf430.